The following is an entry in ClinVar:

ClinVar aggregate classification (germline): Benign/Likely benign. Review status: criteria provided, multiple submitters, no conflicts (2 of 4 stars). 4 submissions from 4 submitters: Benign (1); Likely benign (3). Last evaluated 2026-04-01.

Conditions:
Kabuki syndrome. Also called: NIIKAWA-KUROKI SYNDROME; Kabuki make-up syndrome. Identifiers: Orphanet 2322, MedGen C0796004, MONDO:0016512.

Allele frequency attached by ClinVar (database versions not stated): gnomAD exomes 0.00007 and 0.00036; gnomAD 0.00010; 1000 Genomes Project 30x 0.00016; 1000 Genomes Project 0.00020; TOPMed 0.00026; ExAC 0.00033.
gnomAD v4.1: 113 of 1,613,754 alleles (0.007%); highest among the groups gnomAD compares: Admixed American, 0.18%; 1 homozygote.

Submissions (4):

CeGaT Center for Human Genetics Tuebingen
Classification: Likely benign. Last evaluated: 2026-04-01. Review status: criteria provided, single submitter. Criteria: CeGaT Center For Human Genetics Tuebingen Variant Classification Criteria Version 2. Collection method: clinical testing. Allele origin: germline. Affected: yes. Observed: 1 variant allele.
Comment: KMT2D: BS1

Labcorp Genetics (formerly Invitae), Labcorp
Classification: Likely benign for Kabuki syndrome. Last evaluated: 2026-02-04. Review status: criteria provided, single submitter. Criteria: Invitae Variant Classification Sherloc (09022015). Collection method: clinical testing. Allele origin: germline.

GeneDx
Classification: Benign. Last evaluated: 2019-07-10. Review status: criteria provided, single submitter. Criteria: GeneDx Variant Classification Process June 2021. Collection method: clinical testing. Allele origin: germline. Affected: yes.

Eurofins Ntd Llc (ga)
Classification: Likely benign. Last evaluated: 2015-09-08. Review status: criteria provided, single submitter. Criteria: EGL Classification Definitions 2015. Collection method: clinical testing. Allele origin: germline. Observed: 1 variant allele, 1 heterozygote.

NM_003482.4(KMT2D):c.2206C>T (p.Pro736Ser)

Gene: KMT2D (lysine methyltransferase 2D; minus strand). Cytogenetic location: 12q13.12.
Variant type: single nucleotide variant.
Coding change: c.2206C>T on transcript NM_003482.4 (MANE Select); coding-DNA position 2206, C replaced by T.
Protein change: p.Pro736Ser; replaces proline 736 with serine.
Molecular consequence: missense variant.
Genome position (GRCh38, 1-based): chr12:49,051,477, G>A on the plus strand (C>T on the coding strand, the complement: KMT2D is on the minus strand). VCF-style: chr12-49051477-G-A. GRCh37 (hg19) VCF-style: chr12-49445260-G-A.
Other names: short protein forms P736S.
Identifiers: ClinVar variation 283183 (VCV000283183.19), dbSNP rs552543556, ClinGen allele CA6548320.